The following is an entry in ClinVar:

ClinVar aggregate classification (germline): Benign. Review status: criteria provided, multiple submitters, no conflicts (2 of 4 stars). 7 submissions from 7 submitters: Benign (7). Last evaluated 2026-02-01.

Conditions:
Autosomal recessive nonsyndromic hearing loss 42. Identifiers: Orphanet 90636, MedGen C1864818, MONDO:0012326, OMIM 609646.

Allele frequency attached by ClinVar (database versions not stated): gnomAD exomes 0.00172 and 0.00397; ExAC 0.00474; gnomAD 0.01532 and 0.01612; ESP Exome Variant Server 0.01607; TOPMed 0.01727; 1000 Genomes Project 0.01897; 1000 Genomes Project 30x 0.01983.
gnomAD v4.1: 5,029 of 1,614,156 alleles (0.31%); highest among the groups gnomAD compares: African/African-American, 5.2%; 117 homozygotes.

Submissions (7):

Labcorp Genetics (formerly Invitae), Labcorp
Classification: Benign. Last evaluated: 2026-02-01. Review status: criteria provided, single submitter. Criteria: Invitae Variant Classification Sherloc (09022015). Collection method: clinical testing. Allele origin: germline.

Mayo Clinic Laboratories, Mayo Clinic
Classification: Benign. Last evaluated: 2022-04-17. Review status: criteria provided, single submitter. Criteria: ACMG Guidelines, 2015. Collection method: clinical testing. Allele origin: germline. Observed: 1 variant allele.

Fulgent Genetics
Classification: Benign for Autosomal recessive nonsyndromic hearing loss 42. Last evaluated: 2021-10-27. Review status: criteria provided, single submitter. Criteria: ACMG Guidelines, 2015. Collection method: clinical testing. Allele origin: unknown.

Athena Diagnostics
Classification: Benign. Last evaluated: 2019-07-16. Review status: criteria provided, single submitter. Criteria: Athena Diagnostics Criteria. Collection method: clinical testing. Allele origin: germline.

GeneDx
Classification: Benign. Last evaluated: 2018-01-19. Review status: criteria provided, single submitter. Criteria: GeneDx Variant Classification (06012015). Collection method: clinical testing. Allele origin: germline. Affected: yes.
Comment: This variant is considered likely benign or benign based on one or more of the following criteria: it is a conservative change, it occurs at a poorly conserved position in the protein, it is predicted to be benign by multiple in silico algorithms, and/or has population frequency not consistent with disease.

Laboratory for Molecular Medicine, Mass General Brigham Personalized Medicine
Classification: Benign. Last evaluated: 2012-05-07. Review status: criteria provided, single submitter. Criteria: LMM Criteria. Collection method: clinical testing. Allele origin: germline. Observed: 20 variant alleles.
Comment: Trp388Arg in Exon 07 of ILDR1: This variant is not expected to have clinical sig nificance because it has been identified in 4.6% (173/3738) of African American chromosomes from a broad population by the NHLBI Exome Sequencing Project (dbSNP rs35661993).

Breakthrough Genomics
Classification: Benign. Review status: criteria provided, single submitter. Criteria: ACMG Guidelines, 2015. Collection method: not provided. Allele origin: germline. Inheritance: Autosomal recessive inheritance. Affected: yes.

NM_001199799.2(ILDR1):c.1162T>C (p.Trp388Arg)

Gene: ILDR1 (immunoglobulin like domain containing receptor 1; minus strand). Cytogenetic location: 3q13.33.
Variant type: single nucleotide variant.
Coding change: c.1162T>C on transcript NM_001199799.2 (MANE Select); coding-DNA position 1162, T replaced by C.
Protein change: p.Trp388Arg; replaces tryptophan 388 with arginine.
Molecular consequence: missense variant.
Genome position (GRCh38, 1-based): chr3:121,993,587, A>G on the plus strand (T>C on the coding strand, the complement: ILDR1 is on the minus strand). VCF-style: chr3-121993587-A-G. GRCh37 (hg19) VCF-style: chr3-121712434-A-G.
Other names: c.895T>C, p.Trp299Arg (NM_001199800.2); c.1030T>C, p.Trp344Arg (NM_175924.4); short protein forms W388R, W299R, W344R.
Identifiers: ClinVar variation 44136 (VCV000044136.18), dbSNP rs35661993, ClinGen allele CA133649.